The following is an entry in ClinVar:

ClinVar aggregate classification (germline): Pathogenic/Likely pathogenic. Review status: criteria provided, multiple submitters, no conflicts (2 of 4 stars). 21 submissions from 20 submitters: Pathogenic (16); Likely pathogenic (2). 3 of the submissions do not count toward it. Last evaluated 2026-02-12.

Conditions:
Inborn genetic diseases. Identifiers: MedGen C0950123, MeSH D030342.
Maple syrup urine disease type 1A (MSUD1A). Also called: MSUD type 1A. Identifiers: MedGen C1855369, MONDO:0023691, OMIM 248600.
Maple syrup urine disease (MSUD). Identifiers: Orphanet 511, MedGen C0024776, MeSH D008375, MONDO:0009563. Disease mechanism: loss of function.

Allele frequency attached by ClinVar (database versions not stated): gnomAD exomes 0.00005 and 0.00006; TOPMed 0.00008; gnomAD 0.00012 and 0.00013; ExAC 0.00005.
gnomAD v4.1: 92 of 1,611,804 alleles (0.0057%); highest among the groups gnomAD compares: Non-Finnish European, 0.0073%; no homozygotes.

Submissions 1 to 12 of 21:

Clinical Genomics Laboratory, Washington University in St. Louis
Classification: Pathogenic for Maple syrup urine disease type 1A. Last evaluated: 2026-02-12. Review status: criteria provided, single submitter. Criteria: ACMG Guidelines, 2015. Collection method: clinical testing. Allele origin: germline. Affected: yes.
Comment: The BCKDHA c.1312T>A (p.Tyr438Asn) variant, also known as Tyr393Asn, has been reported in multiple individuals with MSUD and is considered a founder variant in the Old Order Mennonite population (Fisher CR et al., PMID: 1885764; Khalifa OA et al., PMID: 32812330; Puffenberger EG, PMID: 12888983; Tu SC et al., PMID: 39723122; Zhang B et al., PMID: 2703538). A few non-Mennonite affected individuals were compound heterozygous for the variant and a pathogenic or likely pathogenic variant confirmed in trans (Tresbach RH et al., PMID: 39270351; Tu SC et al., PMID: 39723122). This variant is only observed in 92/1,611,804 alleles in the general population (gnomAD v4.1.0), indicating it is not a common variant. Functional studies show destabilization of the E1 catalytic subunit of the branched-chain alpha-keto acid dehydrogenase complex, resulting in very low enzyme activity, indicating that this variant impacts protein function (Fisher CR et al., PMID: 1885764). Computational predictors indicate that the variant is damaging, evidence that correlates with impact on BCKDHA function. This variant has been reported in the ClinVar database as a germline pathogenic variant by 15 submitters and likely pathogenic by three submitters. Based on available information and the ACMG/AMP guidelines for variant interpretation (Richards S et al., PMID: 25741868), this variant is classified as pathogenic. The BCKDHA c.117dup (p.Arg40Glnfs*11) variant has been reported in multiple individuals affected with MSUD. At least two were homozygous for the variant, and two were compound heterozygous for the variant and a pathogenic variant confirmed in trans (Chuang JL et al., PMID: 8037208; Fernández-Guerra P et al., PMID: 25333063; Rodríguez-Pombo P et al., PMID: 16786533; Zhang W et al., PMID: 31998365). This variant is only observed in 24/1,613,226 alleles in the general population (gnomAD v4.1.0), indicating it is not a common variant. This variant causes a frameshift by inserting a single nucleotide, leading to a premature termination codon, which is predicted to lead to nonsense-mediated decay. This variant has been reported in the ClinVar database as a germline pathogenic variant by 10 submitters. Based on available information and the ACMG/AMP guidelines for variant interpretation (Richards S et al., PMID: 25741868), this variant is classified as pathogenic.

Labcorp Genetics (formerly Invitae), Labcorp
Classification: Pathogenic for Maple syrup urine disease. Last evaluated: 2026-01-20. Review status: criteria provided, single submitter. Criteria: Invitae Variant Classification Sherloc (09022015). Collection method: clinical testing. Allele origin: germline.
Comment: This sequence change replaces tyrosine, which is neutral and polar, with asparagine, which is neutral and polar, at codon 438 of the BCKDHA protein (p.Tyr438Asn). This variant is present in population databases (rs137852870, gnomAD 0.02%). This missense change has been observed in individual(s) with maple syrup urine disease (PMID: 2703538, 11825067, 12888983, 20136525, 26830710, 28170084). It has also been observed to segregate with disease in related individuals. This variant is also known as Y393N. ClinVar contains an entry for this variant (Variation ID: 100009). Invitae Evidence Modeling of protein sequence and biophysical properties (such as structural, functional, and spatial information, amino acid conservation, physicochemical variation, residue mobility, and thermodynamic stability) indicates that this missense variant is expected to disrupt BCKDHA protein function with a positive predictive value of 95%. Experimental studies have shown that this missense change affects BCKDHA function (PMID: 1885764). For these reasons, this variant has been classified as Pathogenic.

Natera, Inc.
Classification: Pathogenic for Maple syrup urine disease type 1A. Last evaluated: 2026-01-13. Review status: criteria provided, single submitter. Criteria: Natera Variant Classification Schema (03/2026). Collection method: clinical testing. Allele origin: germline.
Comment: The c.1312T>A variant in BCKDHA is a missense variant predicted to cause substitution of tyrosine to asparagine at amino acid 438. This variant is rare in the general population with a frequency below the threshold expected for the associated phenotype(s). This variant has been observed in one or more individuals affected with the associated recessive disease, as either homozygous or compound heterozygous with a second variant (PMID: 1867199, 35799415, 21098507, 16468966). Given the available evidence, this variant is classified as Pathogenic.

Baylor Genetics
Classification: Pathogenic for Maple syrup urine disease type 1A. Last evaluated: 2024-03-30. Review status: criteria provided, single submitter. Criteria: ACMG Guidelines, 2015. Collection method: clinical testing. Allele origin: unknown.

Fulgent Genetics
Classification: Pathogenic for Maple syrup urine disease type 1A. Last evaluated: 2024-03-05. Review status: criteria provided, single submitter. Criteria: ACMG Guidelines, 2015. Collection method: clinical testing. Allele origin: germline.

GeneDx
Classification: Pathogenic. Last evaluated: 2023-03-31. Review status: criteria provided, single submitter. Criteria: GeneDx Variant Classification Process June 2021. Collection method: clinical testing. Allele origin: germline. Affected: yes.
Comment: Published functional studies found this variant is associated with significantly reduced enzyme activity (Fisher CR et al., 1991); In silico analysis supports that this missense variant has a deleterious effect on protein structure/function; Also known as p.(Y393N); This variant is associated with the following publications: (PMID: 14517957, 26830710, 11825067, 24268812, 21228398, 25087612, 19456321, 19715473, 11486905, 18378174, 21844576, 12888983, 7707687, 16468966, 2703538, 28170084, 31028937, 31589614, 32853555, 25255367, 22593002, 33996492, 32812330, 31980395, 1867199, 2241958, 1885764)

Genome-Nilou Lab
Classification: Pathogenic for Maple syrup urine disease type 1A. Last evaluated: 2021-11-07. Review status: criteria provided, single submitter. Criteria: ACMG Guidelines, 2015. Collection method: clinical testing. Allele origin: germline. Affected: no.

Revvity Omics, Revvity
Classification: Pathogenic for Maple syrup urine disease type 1A. Last evaluated: 2021-09-22. Review status: criteria provided, single submitter. Criteria: ACMG Guidelines, 2015. Collection method: clinical testing. Allele origin: germline.

Ambry Genetics
Classification: Pathogenic for Inborn genetic diseases. Last evaluated: 2021-08-25. Review status: criteria provided, single submitter. Criteria: Ambry Variant Classification Scheme 2023. Collection method: clinical testing. Allele origin: germline.
Comment: The c.1312T>A (p.Y438N) alteration is located in exon 9 (coding exon 9) of the BCKDHA gene. This alteration results from a T to A substitution at nucleotide position 1312, causing the tyrosine (Y) at amino acid position 438 to be replaced by an asparagine (N). Based on data from gnomAD, the A allele has an overall frequency of 0.01% (21/280202) total alleles studied. The highest observed frequency was 0.02% (21/127306) of European (non-Finnish) alleles. This mutation, also referred to as Y393N in the literature, has been reported in the homozygous state in several patients with maple syrup urine disease and is a founder mutation with an estimated carrier frequency of approximately 8% in the Old Order Mennonite population (Fisher, 1991a; Puffenberger, 2003; Khalifa, 2020). In vitro functional studies demonstrated that this mutation impedes assembly of the E1&alpha; and E1&beta; subunits (Fisher, 1991b). This alteration is predicted to be deleterious by in silico analysis. Based on the available evidence, this alteration is classified as pathogenic.

Centre for Mendelian Genomics, University Medical Centre Ljubljana
Classification: Likely pathogenic for Maple syrup urine disease type 1A. Last evaluated: 2020-01-16. Review status: criteria provided, single submitter. Criteria: ACMG Guidelines, 2015. Collection method: clinical testing. Allele origin: unknown. Affected: yes.
Comment: This variant was classified as: Likely pathogenic. The following ACMG criteria were applied in classifying this variant: PS1,PS3,PM2,PP3.

Fulgent Genetics
Classification: Pathogenic for Maple syrup urine disease type 1A. Last evaluated: 2018-10-31. Review status: criteria provided, single submitter. Criteria: ACMG Guidelines, 2015. Collection method: clinical testing. Allele origin: unknown.

SIB Swiss Institute of Bioinformatics
Classification: Likely pathogenic for Maple syrup urine disease type 1A. Last evaluated: 2018-05-31. Review status: criteria provided, single submitter. Criteria: ACMG Guidelines, 2015. Collection method: curation. Allele origin: unknown.
Comment: This variant is interpreted as a Likely Pathogenic, for Maple syrup urine disease, in Autosomal Recessive manner. The following ACMG Tag(s) were applied: PM2 => Absent from controls (or at extremely low frequency if recessive) in Exome Sequencing Project, 1000 Genomes Project, or Exome Aggregation Consortium. PP3 => Multiple lines of computational evidence support a deleterious effect on the gene or gene product. PS3 => Well-established functional studies show a deleterious effect (PMID:1885764).

NM_000709.4(BCKDHA):c.1312T>A (p.Tyr438Asn)

Gene: BCKDHA (branched chain keto acid dehydrogenase E1 subunit alpha; plus strand). Cytogenetic location: 19q13.2.
Variant type: single nucleotide variant.
Coding change: c.1312T>A on transcript NM_000709.4 (MANE Select); coding-DNA position 1312, T replaced by A.
Protein change: p.Tyr438Asn; replaces tyrosine 438 with asparagine.
Molecular consequence: missense variant.
Genome position (GRCh38, 1-based): chr19:41,424,582, T>A. VCF-style: chr19-41424582-T-A. GRCh37 (hg19) VCF-style: chr19-41930487-T-A.
Other names: Y393N; p.Y438N:TAC>AAC; NM_001164783.1(BCKDHA):c.1309T>A(p.Tyr437Asn); c.1309T>A, p.Tyr437Asn (NM_001164783.2); short protein forms Y438N, Y437N.
Identifiers: ClinVar variation 100009 (VCV000100009.67), dbSNP rs137852870, ClinGen allele CA115507.
Genomic context (GRCh38, chr19:41,424,582, plus strand): 5'-GCCCAGCTCCGCAAGCAGCAGGAGTCTCTGGCCCGCCACCTGCAGACCTACGGGGAGCAC[T>A]ACCCACTGGATCACTTCGATAAGTGAGACCTGCTCAGCCCACCCCCACCCATCCTCAGCT-3'
Protein context (NP_000700.1, residues 428-445): ARHLQTYGEH[Tyr438Asn]PLDHFDK